The following is an entry in ClinVar:

NC_000020.10:g.(?_8696891)_(8698515_?)del

Gene: PLCB1 (phospholipase C beta 1; plus strand). Cytogenetic location: 20p12.3.
Variant type: Deletion.
Identifiers: ClinVar variation 2426093 (VCV002426093.6).

ClinVar aggregate classification (germline): Pathogenic (1 of 4 stars; one submission).

Conditions:
Developmental and epileptic encephalopathy, 12 (DEE12). Identifiers: MedGen C3150988, MONDO:0013389, OMIM 613722.

Submission:

Labcorp Genetics (formerly Invitae), Labcorp
Classification: Pathogenic for Developmental and epileptic encephalopathy, 12. Last evaluated: 2022-07-29. Review status: criteria provided, single submitter. Criteria: Invitae Variant Classification Sherloc (09022015). Collection method: clinical testing. Allele origin: germline.
Comment: This variant is a gross deletion of the genomic region encompassing exon(s) 13-14 of the PLCB1 gene. This deletion is out-of-frame, and is expected to create a premature termination codon and result in an absent or disrupted protein product. Loss-of-function variants in PLCB1 are known to be pathogenic (PMID: 24684524). This variant has not been reported in the literature in individuals affected with PLCB1-related conditions. For these reasons, this variant has been classified as Pathogenic.

Literature cited by the submitters: PubMed 24684524.